The following is an entry in ClinVar:

ClinVar aggregate classification (germline): Likely pathogenic (1 of 4 stars; one submission).

Conditions:
Osteogenesis imperfecta, perinatal lethal (OI2). Also called: OSTEOGENESIS IMPERFECTA, TYPE II; Osteogenesis imperfecta, dominant perinatal lethal; Osteogenesis imperfecta type 2; OI, TYPE II; OSTEOGENESIS IMPERFECTA CONGENITA; VROLIK TYPE OF OSTEOGENESIS IMPERFECTA. Identifiers: Orphanet 216804, MedGen C0268358, MONDO:0008147, OMIM 166210.
Osteogenesis imperfecta type III (OI3). Also called: Osteogenesis imperfecta type 3; OI type 3; Osteogenesis imperfecta, progressively deforming with normal sclerae; OI type III; Progressively Deforming Osteogenesis Imperfecta. Identifiers: Orphanet 216812, Orphanet 666, MedGen C0268362, MONDO:0009804, OMIM 259420.
Osteogenesis imperfecta type I (OI1). Also called: Lobstein's Disease; Lobstein disease; Classic Non-deforming Osteogenesis Imperfecta with Blue Sclerae; OI, TYPE I; OSTEOGENESIS IMPERFECTA TARDA; OSTEOGENESIS IMPERFECTA WITH BLUE SCLERAE. Identifiers: Orphanet 216796, Orphanet 666, MedGen C0023931, MONDO:0008146, OMIM 166200. Disease mechanism: loss of function.
Osteogenesis imperfecta with normal sclerae, dominant form (OI4). Also called: OSTEOGENESIS IMPERFECTA, TYPE IV, WITH DENTINOGENESIS IMPERFECTA; Osteogenesis Imperfecta Type IV; Common Variable Osteogenesis Imperfecta with Normal Sclerae; OSTEOGENESIS IMPERFECTA WITH NORMAL SCLERAE; Osteogenesis imperfecta type 4. Identifiers: Orphanet 216820, Orphanet 666, MedGen C0268363, MONDO:0008148, OMIM 166220.

Submission:

Juno Genomics, Hangzhou Juno Genomics, Inc
Classification: Likely pathogenic for Osteogenesis imperfecta type I; Osteogenesis imperfecta, perinatal lethal; Osteogenesis imperfecta type III; Osteogenesis imperfecta with normal sclerae, dominant form. Review status: criteria provided, single submitter. Criteria: ACMG Guidelines, 2015. Collection method: clinical testing. Allele origin: germline. Affected: yes.
Comment: Absent from controls (or at extremely low frequency if recessive) in Genome Aggregation Database, Exome Sequencing Project, 1000 Genomes Project, or Exome Aggregation Consortium.;De novo (both maternity and paternity confirmed) in a patient with the disease and no family history.;Multiple lines of computational evidence support a deleterious effect on the gene or gene product (conservation, evolutionary, splicing impact, etc).;Missense variant in a gene that has a low rate of benign missense variation and where missense variants are a common mechanism of disease.

NM_000088.4(COL1A1):c.3335G>T (p.Gly1112Val)

Gene: COL1A1 (collagen type I alpha 1 chain; minus strand). Cytogenetic location: 17q21.33.
Variant type: single nucleotide variant.
Coding change: c.3335G>T on transcript NM_000088.4 (MANE Select); coding-DNA position 3335, G replaced by T.
Protein change: p.Gly1112Val; replaces glycine 1112 with valine.
Molecular consequence: missense variant.
Genome position (GRCh38, 1-based): chr17:50,187,910, C>A on the plus strand (G>T on the coding strand, the complement: COL1A1 is on the minus strand). VCF-style: chr17-50187910-C-A. GRCh37 (hg19) VCF-style: chr17-48265271-C-A.
Other names: short protein forms G1112V.
Identifiers: ClinVar variation 4531238 (VCV004531238.1).